The following is an entry in ClinVar:

NM_005573.4(LMNB1):c.642+4_642+7dup

Gene: LMNB1 (lamin B1; plus strand). Cytogenetic location: 5q23.2.
Variant type: Duplication.
Coding change: c.642+4_642+7dup on transcript NM_005573.4 (MANE Select); bases 4 to 7 of the intron after coding-DNA position 642, 4 bases duplicated (ACTA; older notation c.642+4_642+7dupACTA).
Molecular consequence: splice donor variant.
Genome position (GRCh38, 1-based): chr5:126,805,700-126,805,703, ACTA duplicated; duplicating any 4 consecutive bases within chr5:126,805,698-126,805,703 gives the same sequence; the c. name uses the placement nearest the transcript's 3' end. VCF-style (leftmost placement, unchanged base first): chr5-126805697-G-GTAAC. GRCh37 (hg19) VCF-style: chr5-126141389-G-GTAAC.
Other names: c.12+4_12+7dup (NM_001198557.2); c.642+4_642+7dup (NM_005573.3).
Identifiers: ClinVar variation 788291 (VCV000788291.34), dbSNP rs142214610, ClinGen allele CA3390502.
Genomic context (GRCh38, chr5:126,805,697, plus strand): 5'-GAGAATCGTTGTCAGAGCCTTACTGAGGACTTGGAGTTTCGCAAAAGCATGTATGAAGAG[G>GTAAC]TAACTATATATAATTTTGCTTTGTAAAGGAATGGAGGGGTTCTAGAATGACTTTGTCATA-3'

ClinVar aggregate classification (germline): Benign/Likely benign. Review status: criteria provided, multiple submitters, no conflicts (2 of 4 stars). 3 submissions from 3 submitters: Benign (1); Likely benign (2). Last evaluated 2026-05-01.

Submissions (3):

CeGaT Center for Human Genetics Tuebingen
Classification: Likely benign. Last evaluated: 2026-05-01. Review status: criteria provided, single submitter. Criteria: CeGaT Center For Human Genetics Tuebingen Variant Classification Criteria Version 2. Collection method: clinical testing. Allele origin: germline. Affected: yes. Observed: 4 variant alleles.
Comment: LMNB1: BP4, BS1

Labcorp Genetics (formerly Invitae), Labcorp
Classification: Benign. Last evaluated: 2025-10-01. Review status: criteria provided, single submitter. Criteria: Invitae Variant Classification Sherloc (09022015). Collection method: clinical testing. Allele origin: germline.

Blueprint Genetics
Classification: Likely benign. Last evaluated: 2024-11-12. Review status: criteria provided, single submitter. Criteria: ACMG Guidelines, 2015. Collection method: clinical testing. Allele origin: germline.